The following is an entry in ClinVar:

NM_176824.3(BBS7):c.1083_1084del (p.Asn362fs)

Gene: BBS7 (Bardet-Biedl syndrome 7; minus strand). Cytogenetic location: 4q27.
Variant type: Microsatellite.
Coding change: c.1083_1084del on transcript NM_176824.3 (MANE Select); coding-DNA positions 1083 to 1084, 2 bases deleted (GA; older notation c.1083_1084delGA).
Protein change: p.Asn362fs; shifts the reading frame from asparagine 362.
Molecular consequence: frameshift variant.
Genome position (GRCh38, 1-based): chr4:121,845,650-121,845,651, TC deleted on the plus strand (GA on the coding strand, the reverse complement: BBS7 is on the minus strand); deleting any 2 consecutive bases within chr4:121,845,650-121,845,656 gives the same sequence; the c. name uses the placement nearest the transcript's 3' end. VCF-style (leftmost placement, unchanged base first): chr4-121845649-TTC-T. GRCh37 (hg19) VCF-style: chr4-122766804-TTC-T.
Other names: c.1083_1084del, p.Asn362fs (NM_018190.4); c.1083_1084delGA (NM_176824.2); short protein forms N362fs.
Identifiers: ClinVar variation 1069616 (VCV001069616.9), dbSNP rs577434138, ClinGen allele CA104762548.

ClinVar aggregate classification (germline): Pathogenic/Likely pathogenic. Review status: criteria provided, multiple submitters, no conflicts (2 of 4 stars). 3 submissions from 3 submitters: Pathogenic (2); Likely pathogenic (1). Last evaluated 2026-03-30.

Conditions:
Bardet-Biedl syndrome 7 (BBS7). Identifiers: Orphanet 110, MedGen C1859565, MONDO:0014435, OMIM 615984.
BBS7-related disorder. Also called: BBS7-related condition.
Bardet-Biedl syndrome (BBS). Identifiers: Orphanet 110, MedGen C0752166, MONDO:0015229.

Submissions (3):

PreventionGenetics, part of Exact Sciences
Classification: Pathogenic for BBS7-related condition. Last evaluated: 2026-03-30. Review status: criteria provided, single submitter. Criteria: ACMG Guidelines, 2015. Collection method: clinical testing. Allele origin: germline.
Comment: The BBS7 c.1083_1084delGA variant is predicted to result in a frameshift and premature protein termination (p.Asn362Leufs*21). This variant has not been reported in individuals with BBS7-related conditions. This variant is reported in 0.0040% of alleles in individuals of African descent in gnomAD. Frameshift variants in BBS7 are expected to be pathogenic. This variant is interpreted as pathogenic.

Baylor Genetics
Classification: Likely pathogenic for Bardet-Biedl syndrome 7. Last evaluated: 2024-03-09. Review status: criteria provided, single submitter. Criteria: ACMG Guidelines, 2015. Collection method: clinical testing. Allele origin: unknown.

Labcorp Genetics (formerly Invitae), Labcorp
Classification: Pathogenic for Bardet-Biedl syndrome. Last evaluated: 2020-02-03. Review status: criteria provided, single submitter. Criteria: Invitae Variant Classification Sherloc (09022015). Collection method: clinical testing. Allele origin: germline.
Comment: This sequence change creates a premature translational stop signal (p.Asn362Leufs*21) in the BBS7 gene. It is expected to result in an absent or disrupted protein product. This variant is not present in population databases (ExAC no frequency). This variant has not been reported in the literature in individuals with BBS7-related conditions. Loss-of-function variants in BBS7 are known to be pathogenic (PMID: 12567324). For these reasons, this variant has been classified as Pathogenic.

Literature cited by the submitters: PubMed 12567324 (cited by Labcorp Genetics (formerly Invitae), Labcorp).